The following is an entry in ClinVar:

ClinVar aggregate classification (germline): Uncertain significance (1 of 4 stars; one submission).

Allele frequency attached by ClinVar (database versions not stated): gnomAD 0.00001.
gnomAD v4.1: 1 of 1,606,706 alleles (0.000062%); highest among the groups gnomAD compares: African/African-American, 0.0013%; no homozygotes.

Submission:

Labcorp Genetics (formerly Invitae), Labcorp
Classification: Uncertain significance. Last evaluated: 2022-04-21. Review status: criteria provided, single submitter. Criteria: Invitae Variant Classification Sherloc (09022015). Collection method: clinical testing. Allele origin: germline.
Comment: This sequence change replaces proline, which is neutral and non-polar, with alanine, which is neutral and non-polar, at codon 2528 of the DMXL2 protein (p.Pro2528Ala). This variant is not present in population databases (gnomAD no frequency). This variant has not been reported in the literature in individuals affected with DMXL2-related conditions. Algorithms developed to predict the effect of missense changes on protein structure and function are either unavailable or do not agree on the potential impact of this missense change (SIFT: "Tolerated"; PolyPhen-2: "Probably Damaging"; Align-GVGD: "Class C0"). In summary, the available evidence is currently insufficient to determine the role of this variant in disease. Therefore, it has been classified as a Variant of Uncertain Significance.

NM_001378457.1(DMXL2):c.7582C>G (p.Pro2528Ala)

Gene: DMXL2 (Dmx like 2; minus strand). Cytogenetic location: 15q21.2.
Variant type: single nucleotide variant.
Coding change: c.7582C>G on transcript NM_001378457.1 (MANE Select); coding-DNA position 7582, C replaced by G.
Protein change: p.Pro2528Ala; replaces proline 2528 with alanine.
Molecular consequence: missense variant. On other transcripts: non-coding transcript variant (2), intron variant (1).
Genome position (GRCh38, 1-based): chr15:51,465,590, G>C on the plus strand (C>G on the coding strand, the complement: DMXL2 is on the minus strand). VCF-style: chr15-51465590-G-C. GRCh37 (hg19) VCF-style: chr15-51757787-G-C.
Other names: c.7582C>G, p.Pro2528Ala (NM_001174116.3, NM_001378461.1, NM_001378463.1); c.5671C>G, p.Pro1891Ala (NM_001174117.3); c.7579C>G, p.Pro2527Ala (NM_001378458.1, NM_001378462.1, NM_015263.5); c.5560C>G, p.Pro1854Ala (NM_001378460.1); c.7339C>G, p.Pro2447Ala (NM_001378464.1); c.7520+594C>G (NM_001378459.1); short protein forms P2447A, P1854A, P2528A, P1891A, P2527A.
Identifiers: ClinVar variation 2115755 (VCV002115755.1), dbSNP rs1454089066, ClinGen allele CA392439506.